The following is an entry in ClinVar:

NM_000254.3(MTR):c.34+10C>T

Genes: MTR (5-methyltetrahydrofolate-homocysteine methyltransferase; plus strand), LOC129932886 (ATAC-STARR-seq lymphoblastoid active region 2827; plus strand). Cytogenetic location: 1q43.
Variant type: single nucleotide variant.
Coding change: c.34+10C>T on transcript NM_000254.3 (MANE Select); 10 bases into the intron after coding-DNA position 34, C replaced by T.
Molecular consequence: intron variant.
Genome position (GRCh38, 1-based): chr1:236,795,747, C>T. VCF-style: chr1-236795747-C-T. GRCh37 (hg19) VCF-style: chr1-236959047-C-T.
Other names: c.34+10C>T (NM_001291939.1); c.-1075+10C>T (NM_001291940.2).
Identifiers: ClinVar variation 296547 (VCV000296547.12), dbSNP rs376679817, ClinGen allele CA1473602.
Genomic context (GRCh38, chr1:236,795,747, plus strand): 5'-GGAGGAGACTCGACAACATGTCACCCGCGCTCCAAGACCTGTCGCAACCCGGTAACGCTG[C>T]GACCCCGTCTGCGTGGTTGGGTTGTGTTTCTTAACTCGTGCTGTGGCCTCCTAATCCCTG-3'

ClinVar aggregate classification (germline): Conflicting classifications of pathogenicity. Review status: criteria provided, conflicting classifications (1 of 4 stars). 3 submissions from 3 submitters: Uncertain significance (1); Likely benign (2). Last evaluated 2025-05-19.

Conditions:
Disorders of Intracellular Cobalamin Metabolism. Identifiers: MedGen CN043592.
Methylcobalamin deficiency type cblG (HMAG). Also called: HOMOCYSTINURIA-MEGALOBLASTIC ANEMIA, cblG TYPE; HOMOCYSTINURIA-MEGALOBLASTIC ANEMIA DUE TO DEFECT IN COBALAMIN METABOLISM, cblG COMPLEMENTATION TYPE; HOMOCYSTINURIA-MEGALOBLASTIC ANEMIA, cblG COMPLEMENTATION TYPE; Functional methionine synthase deficiency type cblG. Identifiers: Orphanet 2170, Orphanet 622, MedGen C1855128, MONDO:0009609, OMIM 250940.

Allele frequency attached by ClinVar (database versions not stated): gnomAD 0.00001; ESP Exome Variant Server 0.00008.

Submissions (3):

Labcorp Genetics (formerly Invitae), Labcorp
Classification: Likely benign for Methylcobalamin deficiency type cblG. Last evaluated: 2025-05-19. Review status: criteria provided, single submitter. Criteria: Invitae Variant Classification Sherloc (09022015). Collection method: clinical testing. Allele origin: germline.

Illumina Laboratory Services, Illumina
Classification: Uncertain significance for Disorders of Intracellular Cobalamin Metabolism. Last evaluated: 2018-01-13. Review status: criteria provided, single submitter. Criteria: ICSL Variant Classification Criteria 13 December 2019. Collection method: clinical testing. Allele origin: germline.

GeneDx
Classification: Likely benign. Last evaluated: 2017-05-24. Review status: criteria provided, single submitter. Criteria: GeneDx Variant Classification (06012015). Collection method: clinical testing. Allele origin: germline. Affected: yes.
Comment: This variant is considered likely benign or benign based on one or more of the following criteria: it is a conservative change, it occurs at a poorly conserved position in the protein, it is predicted to be benign by multiple in silico algorithms, and/or has population frequency not consistent with disease.